The following is an entry in ClinVar:

ClinVar aggregate classification (germline): Uncertain significance (1 of 4 stars; one submission).

Conditions:
Malignant hyperthermia, susceptibility to, 1 (MHS1). Also called: RYR1-Related Malignant Hyperthermia Susceptibility; Malignant hyperthermia suceptibility 1; Anesthesia related hyperthermia; Malignant hyperpyrexia; Fulminating hyperpyrexia; Pharmacogenic myopathy. Identifiers: Orphanet 423, MedGen C2930980, MONDO:0007783, OMIM 145600.

Submission:

Color Diagnostics, LLC DBA Color Health
Classification: Uncertain significance for Malignant hyperthermia, susceptibility to, 1. Last evaluated: 2025-05-20. Review status: criteria provided, single submitter. Criteria: ACMG Guidelines, 2015. Collection method: clinical testing. Allele origin: germline.
Comment: This missense variant replaces leucine with arginine at codon 2556 of the RYR1 protein. Computational prediction is inconclusive regarding the impact of this variant on protein structure and function. To our knowledge, functional studies have not been reported for this variant. This variant has not been reported in individuals affected with RYR1-related disorders in the literature. This variant has not been identified in the general population by the Genome Aggregation Database (gnomAD). The available evidence is insufficient to determine the role of this variant in disease conclusively. Therefore, this variant is classified as a Variant of Uncertain Significance.

NM_000540.3(RYR1):c.7667T>G (p.Leu2556Arg)

Gene: RYR1 (ryanodine receptor 1; plus strand). Cytogenetic location: 19q13.2.
Variant type: single nucleotide variant.
Coding change: c.7667T>G on transcript NM_000540.3 (MANE Select); coding-DNA position 7667, T replaced by G.
Protein change: p.Leu2556Arg; replaces leucine 2556 with arginine.
Molecular consequence: missense variant.
Genome position (GRCh38, 1-based): chr19:38,502,559, T>G. VCF-style: chr19-38502559-T-G. GRCh37 (hg19) VCF-style: chr19-38993199-T-G.
Other names: c.7667T>G, p.Leu2556Arg (NM_001042723.2); short protein forms L2556R.
Identifiers: ClinVar variation 4756796 (VCV004756796.1).